The following is an entry in ClinVar:

NM_017999.5(RNF31):c.2911G>A (p.Val971Met)

Gene: RNF31 (ring finger protein 31; plus strand). Cytogenetic location: 14q12.
Variant type: single nucleotide variant.
Coding change: c.2911G>A on transcript NM_017999.5 (MANE Select); coding-DNA position 2911, G replaced by A.
Protein change: p.Val971Met; replaces valine 971 with methionine.
Molecular consequence: missense variant.
Genome position (GRCh38, 1-based): chr14:24,159,875, G>A. VCF-style: chr14-24159875-G-A. GRCh37 (hg19) VCF-style: chr14-24629084-G-A.
Other names: c.2458G>A, p.Val820Met (NM_001310332.2); short protein forms V820M, V971M.
Identifiers: ClinVar variation 3701740 (VCV003701740.2).

ClinVar aggregate classification (germline): Uncertain significance (1 of 4 stars; one submission).

gnomAD v4.1: 1 of 1,614,118 alleles (0.000062%); highest among the groups gnomAD compares: Admixed American, 0.0017%; no homozygotes.

Submission:

Labcorp Genetics (formerly Invitae), Labcorp
Classification: Uncertain significance. Last evaluated: 2024-01-14. Review status: criteria provided, single submitter. Criteria: Invitae Variant Classification Sherloc (09022015). Collection method: clinical testing. Allele origin: germline.
Comment: This sequence change replaces valine, which is neutral and non-polar, with methionine, which is neutral and non-polar, at codon 971 of the RNF31 protein (p.Val971Met). This variant is present in population databases (rs749622747, gnomAD 0.007%). This variant has not been reported in the literature in individuals affected with RNF31-related conditions. An algorithm developed to predict the effect of missense changes on protein structure and function (PolyPhen-2) suggests that this variant is likely to be disruptive. In summary, the available evidence is currently insufficient to determine the role of this variant in disease. Therefore, it has been classified as a Variant of Uncertain Significance.